The following is an entry in ClinVar:

ClinVar aggregate classification (germline): Likely benign (1 of 4 stars; one submission).

Submission:

GeneDx
Classification: Likely benign. Last evaluated: 2017-01-20. Review status: criteria provided, single submitter. Criteria: GeneDx Variant Classification (06012015). Collection method: clinical testing. Allele origin: germline. Affected: yes.
Comment: This variant is considered likely benign or benign based on one or more of the following criteria: it is a conservative change, it occurs at a poorly conserved position in the protein, it is predicted to be benign by multiple in silico algorithms, and/or has population frequency not consistent with disease.

NM_001195248.2(APTX):c.-5+10T>C

Gene: APTX (aprataxin; minus strand). Cytogenetic location: 9p21.1.
Variant type: single nucleotide variant.
Coding change: c.-5+10T>C on transcript NM_001195248.2 (MANE Select); 10 bases into the intron after 5 bases upstream of the start codon, T replaced by C.
Molecular consequence: intron variant. On other transcripts: 5 prime UTR variant (5), non-coding transcript variant (1).
Genome position (GRCh38, 1-based): chr9:33,001,557, A>G on the plus strand (T>C on the coding strand, the complement: APTX is on the minus strand). VCF-style: chr9-33001557-A-G. GRCh37 (hg19) VCF-style: chr9-33001555-A-G.
Other names: c.-264+10T>C (NM_001370669.1, NM_001369006.1); c.-5+10T>C (NM_001195252.2, NM_175069.3, NM_001195250.2); c.-370+10T>C (NM_001369005.1); c.-111+10T>C (NM_175073.3, NM_001195251.2); c.-229T>C (NM_001195249.2); c.-46T>C (NM_001195254.2, NM_001368998.1); c.-305T>C (NM_001370670.1); c.-488T>C (NM_001370673.1); and 3 more.
Identifiers: ClinVar variation 506823 (VCV000506823.1), dbSNP rs1554673544, ClinGen allele CA658797191.